The following is an entry in ClinVar:

NM_201548.5(CERKL):c.157G>A (p.Glu53Lys)

Gene: CERKL (CERK like autophagy regulator; minus strand). Cytogenetic location: 2q31.3.
Variant type: single nucleotide variant.
Coding change: c.157G>A on transcript NM_201548.5 (MANE Select); coding-DNA position 157, G replaced by A.
Protein change: p.Glu53Lys; replaces glutamic acid 53 with lysine.
Molecular consequence: missense variant. On other transcripts: non-coding transcript variant (2).
Genome position (GRCh38, 1-based): chr2:181,656,850, C>T on the plus strand (G>A on the coding strand, the complement: CERKL is on the minus strand). VCF-style: chr2-181656850-C-T. GRCh37 (hg19) VCF-style: chr2-182521577-C-T.
Other names: c.157G>A, p.Glu53Lys (NM_001030311.3, NM_001030312.3, NM_001030313.3 and 1 more transcripts); short protein forms E53K.
Identifiers: ClinVar variation 393046 (VCV000393046.20), dbSNP rs141389059, ClinGen allele CA2010938.

ClinVar aggregate classification (germline): Conflicting classifications of pathogenicity. Review status: criteria provided, conflicting classifications (1 of 4 stars). 6 submissions from 6 submitters: Uncertain significance (2); Benign (1); Likely benign (1). 2 of the submissions do not count toward it. Last evaluated 2026-01-26.

Conditions:
CERKL-related disorder. Also called: CERKL-related condition.
Retinitis pigmentosa (RP). Identifiers: Orphanet 791, MedGen C0035334, MeSH D012174, MONDO:0019200, OMIM 268000. Inheritance: Autosomal dominant, autosomal recessive and X linked inheritance.
Retinitis pigmentosa 26 (RP26). Identifiers: Orphanet 791, MedGen C1842127, MONDO:0012024, OMIM 608380.

Allele frequency attached by ClinVar (database versions not stated): 1000 Genomes Project 0.00040; 1000 Genomes Project 30x 0.00047; TOPMed 0.00139; ESP Exome Variant Server 0.00177; gnomAD 0.00219 and 0.00238; gnomAD exomes 0.00230 and 0.00247; ExAC 0.00266.

Submissions (6):

Labcorp Genetics (formerly Invitae), Labcorp
Classification: Benign. Last evaluated: 2026-01-26. Review status: criteria provided, single submitter. Criteria: Invitae Variant Classification Sherloc (09022015). Collection method: clinical testing. Allele origin: germline.

Blueprint Genetics
Classification: Likely benign. Last evaluated: 2024-11-25. Review status: criteria provided, single submitter. Criteria: ACMG Guidelines, 2015. Collection method: clinical testing. Allele origin: germline.

Illumina Laboratory Services, Illumina
Classification: Uncertain significance for Retinitis pigmentosa. Last evaluated: 2017-04-27. Review status: criteria provided, single submitter. Criteria: ICSL Variant Classification Criteria 13 December 2019. Collection method: clinical testing. Allele origin: germline.

GeneDx
Classification: Uncertain significance. Last evaluated: 2017-01-24. Review status: criteria provided, single submitter. Criteria: GeneDx Variant Classification (06012015). Collection method: clinical testing. Allele origin: germline. Affected: yes.
Comment: The E53K variant in the CERKL gene has not been reported previously as a pathogenic variant, nor as a benign variant, to our knowledge. Although not observed in the homozygous state, the NHLBI ESP Exome Sequencing Project reports E53K was observed in 21/8598 (0.24%) alleles from individuals of Eastern European background, indicating it may be a rare variant in this population. The E53K variant is a non-conservative amino acid substitution, which is likely to impact secondary protein structure as these residues differ in polarity, charge, size and/or other properties. This substitution occurs at a position that is conserved in mammals. However, in silico analysis is inconsistent in its predictions as to whether or not the variant is damaging to the protein structure/function. We interpret E53K as a variant of uncertain significance.

PreventionGenetics, part of Exact Sciences
Classification: Benign for CERKL-related condition. Last evaluated: 2024-09-19. Review status: no assertion criteria provided. Collection method: clinical testing. Allele origin: germline. Not counted in ClinVar's aggregate classification.
Comment: This variant is classified as benign based on ACMG/AMP sequence variant interpretation guidelines (Richards et al. 2015 PMID: 25741868, with internal and published modifications).

Natera, Inc.
Classification: Likely benign for Retinitis pigmentosa type 26. Last evaluated: 2020-06-06. Review status: no assertion criteria provided. Collection method: clinical testing. Allele origin: germline. Not counted in ClinVar's aggregate classification.